The following is an entry in ClinVar:

ClinVar aggregate classification (germline): Pathogenic (1 of 4 stars; one submission).

Conditions:
Autosomal recessive limb-girdle muscular dystrophy type 2C (LGMDR5). Also called: MUSCULAR DYSTROPHY, LIMB-GIRDLE, AUTOSOMAL RECESSIVE 5; MUSCULAR DYSTROPHY, DUCHENNE-LIKE. Identifiers: Orphanet 353, MedGen C0410173, MONDO:0009677, OMIM 253700. Disease mechanism: Affects gamma-sarcoglycan and also disrupts the integrity of the entire sarcoglycan complex..

Submission:

Labcorp Genetics (formerly Invitae), Labcorp
Classification: Pathogenic for Autosomal recessive limb-girdle muscular dystrophy type 2C. Last evaluated: 2022-12-12. Review status: criteria provided, single submitter. Criteria: Invitae Variant Classification Sherloc (09022015). Collection method: clinical testing. Allele origin: germline.
Comment: This sequence change creates a premature translational stop signal (p.Ile28Phefs*22) in the SGCG gene. It is expected to result in an absent or disrupted protein product. Loss-of-function variants in SGCG are known to be pathogenic (PMID: 18285821). This variant is not present in population databases (gnomAD no frequency). This variant has not been reported in the literature in individuals affected with SGCG-related conditions. For these reasons, this variant has been classified as Pathogenic.

Literature cited by the submitters: PubMed 18285821.

NM_000231.3(SGCG):c.82del (p.Ile28fs)

Gene: SGCG (sarcoglycan gamma; plus strand). Cytogenetic location: 13q12.12.
Variant type: Deletion.
Coding change: c.82del on transcript NM_000231.3 (MANE Select); coding-DNA position 82, one base deleted (A; older notation c.82delA).
Protein change: p.Ile28fs; shifts the reading frame from isoleucine 28.
Molecular consequence: frameshift variant.
Genome position (GRCh38, 1-based): chr13:23,203,776, A deleted. VCF-style (leftmost placement, unchanged base first): chr13-23203775-CA-C. GRCh37 (hg19) VCF-style: chr13-23777914-CA-C.
Other names: c.136del, p.Ile46fs (NM_001378244.1); c.82del, p.Ile28fs (NM_001378245.1, NM_001378246.1); short protein forms I28fs, I46fs.
Identifiers: ClinVar variation 2818710 (VCV002818710.3), dbSNP rs2528278649, ClinGen allele CA2739277462.